The following is an entry in ClinVar:

NC_000001.11:g.(?_45500323)_(45509225_?)del

Gene: MMACHC (metabolism of cobalamin associated C; plus strand). Cytogenetic location: 1p34.1.
Variant type: Deletion.
Identifiers: ClinVar variation 833292 (VCV000833292.6).

ClinVar aggregate classification (germline): Pathogenic (1 of 4 stars; one submission).

Conditions:
Cobalamin C disease. Also called: methylmalonic aciduria and homocystinuria type cblC; Methylmalonic aciduria with homocystinuria cblC type; Methylmalonic aciduria and homocystinuria, Vitamin B12-responsive; Vitamin B12 metabolic defect with combined deficiency of methylmalonyl-CoA mutase and homocysteine:methyltetrahydrofolate methyltransferase; Cobalamin-C methylmalonic acidemia and homocystinuria; Methylmalonic acidemia and homocystinuria cblC type. Identifiers: Orphanet 26, Orphanet 79282, MedGen C1848561, MONDO:0010184, OMIM 277400.

Submission:

Labcorp Genetics (formerly Invitae), Labcorp
Classification: Pathogenic for Cobalamin C disease. Last evaluated: 2022-09-12. Review status: criteria provided, single submitter. Criteria: Invitae Variant Classification Sherloc (09022015). Collection method: clinical testing. Allele origin: germline.
Comment: A gross deletion of the genomic region encompassing the full coding sequence of the MMACHC gene has been identified. Loss-of-function variants in MMACHC are known to be pathogenic (PMID: 16311595). The boundaries of this event are unknown as they extend beyond the assayed region for this gene and therefore may encompass additional genes. This variant has not been reported in the literature in individuals affected with MMACHC-related conditions. For these reasons, this variant has been classified as Pathogenic.

Literature cited by the submitters: PubMed 16311595.